The following is an entry in ClinVar:

NM_001374736.1(DST):c.21421G>T (p.Val7141Leu)

Gene: DST (dystonin; minus strand). Cytogenetic location: 6p12.1.
Variant type: single nucleotide variant.
Coding change: c.21421G>T on transcript NM_001374736.1 (MANE Select); coding-DNA position 21421, G replaced by T.
Protein change: p.Val7141Leu; replaces valine 7141 with leucine.
Molecular consequence: missense variant.
Genome position (GRCh38, 1-based): chr6:56,482,160, C>A on the plus strand (G>T on the coding strand, the complement: DST is on the minus strand). VCF-style: chr6-56482160-C-A. GRCh37 (hg19) VCF-style: chr6-56346958-C-A.
Other names: c.15064G>T, p.Val5022Leu (NM_001144769.5); c.14650G>T, p.Val4884Leu (NM_001144770.2); c.21421G>T, p.Val7141Leu (NM_001374722.1); c.20461G>T, p.Val6821Leu (NM_001374729.1); c.14203G>T, p.Val4735Leu (NM_001374730.1); c.21448G>T, p.Val7150Leu (NM_001374734.1); c.14530G>T, p.Val4844Leu (NM_001386100.1, NM_183380.4); c.13552G>T, p.Val4518Leu (NM_015548.5); short protein forms V4735L, V7150L, V4518L, V4844L, V4884L, V5022L, V6821L, V7141L.
Identifiers: ClinVar variation 1353587 (VCV001353587.6), dbSNP rs761234808, ClinGen allele CA3866478.

ClinVar aggregate classification (germline): Uncertain significance (1 of 4 stars; one submission).

Conditions:
Epidermolysis bullosa simplex 3, localized or generalized intermediate, with BP230 deficiency (EBS3). Also called: Epidermolysis bullosa simplex due to BP230 deficiency; Epidermolysis bullosa simplex, autosomal recessive 2. Identifiers: Orphanet 412181, MedGen C3809470, MONDO:0014180, OMIM 615425.
Hereditary sensory and autonomic neuropathy type 6. Also called: HSAN VI; Neuropathy, hereditary sensory and autonomic, type VI. Identifiers: Orphanet 314381, MedGen C3539003, MONDO:0013839, OMIM 614653.

Allele frequency attached by ClinVar (database versions not stated): gnomAD exomes below 0.00001 and 0.00001; ExAC 0.00001.
gnomAD v4.1: 7 of 1,604,890 alleles (0.00044%); highest among the groups gnomAD compares: Non-Finnish European, 0.0006%; no homozygotes.

Submission:

Labcorp Genetics (formerly Invitae), Labcorp
Classification: Uncertain significance for Epidermolysis bullosa simplex 3, localized or generalized intermediate, with BP230 deficiency; Hereditary sensory and autonomic neuropathy type 6. Last evaluated: 2021-01-13. Review status: criteria provided, single submitter. Criteria: Invitae Variant Classification Sherloc (09022015). Collection method: clinical testing. Allele origin: germline.
Comment: This sequence change replaces valine with leucine at codon 4518 of the DST protein (p.Val4518Leu). The DST gene has multiple clinically relevant transcripts. This variant occurs in alternate transcript NM_015548.4, and corresponds to NM_001723.5:c.*133357G>T in the primary transcript. This variant is present in population databases (rs761234808, ExAC 0.002%). In summary, the available evidence is currently insufficient to determine the role of this variant in disease. Therefore, it has been classified as a Variant of Uncertain Significance. Experimental studies and prediction algorithms are not available or were not evaluated, and the functional significance of this variant is currently unknown. This variant has not been reported in the literature in individuals with DST-related conditions.